The following is an entry in ClinVar:

ClinVar aggregate classification (germline): Uncertain significance (1 of 4 stars; one submission).

Conditions:
Hereditary hyperekplexia. Identifiers: Orphanet 3197, MedGen C4084968, MONDO:0021022.

Submission:

Labcorp Genetics (formerly Invitae), Labcorp
Classification: Uncertain significance for Hereditary hyperekplexia. Last evaluated: 2025-05-07. Review status: criteria provided, single submitter. Criteria: Invitae Variant Classification Sherloc (09022015). Collection method: clinical testing. Allele origin: germline.
Comment: This sequence change replaces alanine, which is neutral and non-polar, with valine, which is neutral and non-polar, at codon 165 of the GLRA1 protein (p.Ala165Val). This variant is not present in population databases (gnomAD no frequency). This variant has not been reported in the literature in individuals affected with GLRA1-related conditions. Invitae Evidence Modeling of protein sequence and biophysical properties (such as structural, functional, and spatial information, amino acid conservation, physicochemical variation, residue mobility, and thermodynamic stability) indicates that this missense variant is not expected to disrupt GLRA1 protein function with a negative predictive value of 80%. In summary, the available evidence is currently insufficient to determine the role of this variant in disease. Therefore, it has been classified as a Variant of Uncertain Significance.

NM_000171.4(GLRA1):c.494C>T (p.Ala165Val)

Gene: GLRA1 (glycine receptor alpha 1; minus strand). Cytogenetic location: 5q33.1.
Variant type: single nucleotide variant.
Coding change: c.494C>T on transcript NM_000171.4 (MANE Select); coding-DNA position 494, C replaced by T.
Protein change: p.Ala165Val; replaces alanine 165 with valine.
Molecular consequence: missense variant.
Genome position (GRCh38, 1-based): chr5:151,856,366, G>A on the plus strand (C>T on the coding strand, the complement: GLRA1 is on the minus strand). VCF-style: chr5-151856366-G-A. GRCh37 (hg19) VCF-style: chr5-151235927-G-A.
Other names: c.494C>T, p.Ala165Val (NM_001146040.2); c.245C>T, p.Ala82Val (NM_001292000.2); short protein forms A165V, A82V.
Identifiers: ClinVar variation 4769702 (VCV004769702.1).
Genomic context (GRCh38, chr5:151,856,366, plus strand): 5'-TCCAGTTGCATGATACATGTCTGGACATCCATGGGGAAATTCTTCAAGTCCATGGGGCAG[G>A]CCAGTGTCAGGGTGATTCTGGGAAGAGAAGGGATTTTGAATGATGCAGGATCTGCACATC-3'
Protein context (NP_000162.2, residues 155-175): LYSIRITLTL[Ala165Val]CPMDLKNFPM